The following is an entry in ClinVar:

NM_201384.3(PLEC):c.5965C>T (p.Arg1989Cys)

Gene: PLEC (plectin; minus strand). Cytogenetic location: 8q24.3.
Variant type: single nucleotide variant.
Coding change: c.5965C>T on transcript NM_201384.3 (MANE Select); coding-DNA position 5965, C replaced by T.
Protein change: p.Arg1989Cys; replaces arginine 1989 with cysteine.
Molecular consequence: missense variant.
Genome position (GRCh38, 1-based): chr8:143,923,964, G>A on the plus strand (C>T on the coding strand, the complement: PLEC is on the minus strand). VCF-style: chr8-143923964-G-A. GRCh37 (hg19) VCF-style: chr8-144998132-G-A.
Other names: c.6046C>T, p.Arg2016Cys (NM_000445.5); c.5923C>T, p.Arg1975Cys (NM_201378.4); c.5899C>T, p.Arg1967Cys (NM_201379.3); c.6376C>T, p.Arg2126Cys (NM_201380.4); c.5869C>T, p.Arg1957Cys (NM_201381.3); c.5965C>T, p.Arg1989Cys (NM_201382.4); c.5977C>T, p.Arg1993Cys (NM_201383.3); short protein forms R1957C, R1967C, R1975C, R1989C, R1993C, R2016C, R2126C.
Identifiers: ClinVar variation 196735 (VCV000196735.21), dbSNP rs201465091, ClinGen allele CA243876.

ClinVar aggregate classification (germline): Uncertain significance. Review status: criteria provided, multiple submitters, no conflicts (2 of 4 stars). 9 submissions from 9 submitters: Uncertain significance (9). Last evaluated 2025-12-15.

Conditions:
PLEC-related disorder. Also called: PLEC-related condition; PLEC-related disorders.
Epidermolysis bullosa simplex 5B, with muscular dystrophy (EBS5B). Also called: EPIDERMOLYSIS BULLOSA SIMPLEX AND LIMB-GIRDLE MUSCULAR DYSTROPHY; Epidermolysis bullosa simplex with muscular dystrophy. Identifiers: Orphanet 257, MedGen C2931072, MONDO:0009181, OMIM 226670.
Epidermolysis bullosa simplex, Ogna type (EBS5A). Also called: Pidermolysis bullosa simplex 5A, Ogna type; EPIDERMOLYSIS BULLOSA SIMPLEX 5A, OGNA TYPE. Identifiers: Orphanet 79401, MedGen C0432317, MONDO:0007555, OMIM 131950.
Autosomal recessive limb-girdle muscular dystrophy type 2Q (LGMDR17). Also called: MUSCULAR DYSTROPHY, LIMB-GIRDLE, AUTOSOMAL RECESSIVE 17. Identifiers: Orphanet 254361, MedGen C3150989, MONDO:0013390, OMIM 613723.
Epidermolysis bullosa simplex with nail dystrophy (EBS5D). Identifiers: MedGen C4225309, MONDO:0014661, OMIM 616487.
Epidermolysis bullosa simplex 5C, with pyloric atresia (EBS5C). Also called: PLEC-Related Epidermolysis Bullosa with Pyloric Atresia; Epidermolysis bullosa simplex with pyloric atresia; PLEC1-Related Epidermolysis Bullosa with Pyloric Atresia. Identifiers: Orphanet 158684, MedGen C2677349, MONDO:0012807, OMIM 612138.

Allele frequency attached by ClinVar (database versions not stated): ExAC 0.00014; gnomAD 0.00016; TOPMed 0.00028; ESP Exome Variant Server 0.00034.
gnomAD v4.1: 707 of 1,587,282 alleles (0.045%); highest among the groups gnomAD compares: Non-Finnish European, 0.059%; no homozygotes.

Submissions (9):

Labcorp Genetics (formerly Invitae), Labcorp
Classification: Uncertain significance for Autosomal recessive limb-girdle muscular dystrophy type 2Q; Epidermolysis bullosa simplex, Ogna type; Epidermolysis bullosa simplex with nail dystrophy; Epidermolysis bullosa simplex 5C, with pyloric atresia; Epidermolysis bullosa simplex 5B, with muscular dystrophy. Last evaluated: 2025-12-15. Review status: criteria provided, single submitter. Criteria: Invitae Variant Classification Sherloc (09022015). Collection method: clinical testing. Allele origin: germline.
Comment: This sequence change replaces arginine, which is basic and polar, with cysteine, which is neutral and slightly polar, at codon 2016 of the PLEC protein (p.Arg2016Cys). This variant is present in population databases (rs201465091, gnomAD 0.04%). This variant has not been reported in the literature in individuals affected with PLEC-related conditions. ClinVar contains an entry for this variant (Variation ID: 196735). Invitae Evidence Modeling of protein sequence and biophysical properties (such as structural, functional, and spatial information, amino acid conservation, physicochemical variation, residue mobility, and thermodynamic stability) indicates that this missense variant is not expected to disrupt PLEC protein function with a negative predictive value of 80%. In summary, the available evidence is currently insufficient to determine the role of this variant in disease. Therefore, it has been classified as a Variant of Uncertain Significance.

PreventionGenetics, part of Exact Sciences
Classification: Uncertain significance for PLEC-related condition. Last evaluated: 2025-09-23. Review status: criteria provided, single submitter. Criteria: ACMG Guidelines, 2015. Collection method: clinical testing. Allele origin: germline.
Comment: The PLEC c.6046C>T variant is predicted to result in the amino acid substitution p.Arg2016Cys. To our knowledge, this variant has not been reported in the literature. This variant is reported in 0.035% of alleles in individuals of European (Non-Finnish) descent in gnomAD. At this time, the clinical significance of this variant is uncertain due to the absence of conclusive functional and genetic evidence.

Blueprint Genetics
Classification: Uncertain significance. Last evaluated: 2024-09-30. Review status: criteria provided, single submitter. Criteria: ACMG Guidelines, 2015. Collection method: clinical testing. Allele origin: germline.

Revvity Omics, Revvity
Classification: Uncertain significance. Last evaluated: 2023-10-10. Review status: criteria provided, single submitter. Criteria: ACMG Guidelines, 2015. Collection method: clinical testing. Allele origin: germline.

Molecular Genetics, Royal Melbourne Hospital
Classification: Uncertain significance for Epidermolysis bullosa simplex, Ogna type. Last evaluated: 2023-07-07. Review status: criteria provided, single submitter. Criteria: ACMG Guidelines, 2015. Collection method: clinical testing. Allele origin: germline. Inheritance: Autosomal dominant inheritance. Affected: yes.

Athena Diagnostics
Classification: Uncertain significance. Last evaluated: 2021-01-14. Review status: criteria provided, single submitter. Criteria: Athena Diagnostics criteria. Collection method: clinical testing. Allele origin: unknown.

GeneDx
Classification: Uncertain significance. Last evaluated: 2019-04-02. Review status: criteria provided, single submitter. Criteria: GeneDx Variant Classification Process June 2021. Collection method: clinical testing. Allele origin: germline. Affected: yes.
Comment: In silico analysis, which includes protein predictors and evolutionary conservation, supports a deleterious effect; Missense variant in a gene in which most reported pathogenic variants are truncating/loss-of-function; Has not been previously published as pathogenic or benign to our knowledge

Eurofins Ntd Llc (ga)
Classification: Uncertain significance. Last evaluated: 2015-07-17. Review status: criteria provided, single submitter. Criteria: EGL Classification Definitions 2015. Collection method: clinical testing. Allele origin: germline. Observed: 3 variant alleles, 3 heterozygotes.

Breakthrough Genomics
Classification: Uncertain significance. Review status: criteria provided, single submitter. Criteria: ACMG Guidelines, 2015. Collection method: not provided. Allele origin: germline. Inheritance: Autosomal recessive inheritance. Affected: yes.